The following is an entry in ClinVar:

ClinVar aggregate classification (germline): Uncertain significance (1 of 4 stars; one submission).

Conditions:
Autoimmune lymphoproliferative syndrome type 2B. Also called: AUTOIMMUNE LYMPHOPROLIFERATIVE SYNDROME, TYPE IIB. Identifiers: Orphanet 275517, MedGen C1846545, MONDO:0011804, OMIM 607271.

Allele frequency attached by ClinVar (database versions not stated): 1000 Genomes Project 0.00040; 1000 Genomes Project 30x 0.00062.
gnomAD v4.1: 8 of 1,614,180 alleles (0.0005%); highest among the groups gnomAD compares: Admixed American, 0.013%; no homozygotes.

Submission:

Labcorp Genetics (formerly Invitae), Labcorp
Classification: Uncertain significance for Autoimmune lymphoproliferative syndrome type 2B. Last evaluated: 2024-10-28. Review status: criteria provided, single submitter. Criteria: Invitae Variant Classification Sherloc (09022015). Collection method: clinical testing. Allele origin: germline.
Comment: This sequence change replaces methionine, which is neutral and non-polar, with isoleucine, which is neutral and non-polar, at codon 53 of the CASP8 protein (p.Met53Ile). This variant is not present in population databases (gnomAD no frequency). This variant has not been reported in the literature in individuals affected with CASP8-related conditions. ClinVar contains an entry for this variant (Variation ID: 533728). Invitae Evidence Modeling of protein sequence and biophysical properties (such as structural, functional, and spatial information, amino acid conservation, physicochemical variation, residue mobility, and thermodynamic stability) indicates that this missense variant is not expected to disrupt CASP8 protein function with a negative predictive value of 80%. In summary, the available evidence is currently insufficient to determine the role of this variant in disease. Therefore, it has been classified as a Variant of Uncertain Significance.

NM_001372051.1(CASP8):c.159G>C (p.Met53Ile)

Gene: CASP8 (caspase 8; plus strand). Cytogenetic location: 2q33.1.
Variant type: single nucleotide variant.
Coding change: c.159G>C on transcript NM_001372051.1 (MANE Select); coding-DNA position 159, G replaced by C.
Protein change: p.Met53Ile; replaces methionine 53 with isoleucine.
Molecular consequence: missense variant. On other transcripts: 5 prime UTR variant (9), non-coding transcript variant (22), intron variant (3).
Genome position (GRCh38, 1-based): chr2:201,266,645, G>C. VCF-style: chr2-201266645-G-C. GRCh37 (hg19) VCF-style: chr2-202131368-G-C.
Other names: c.159G>C, p.Met53Ile (NM_001080124.2, NM_001228.5, NM_001400645.1 and 21 more transcripts); c.336G>C, p.Met112Ile (NM_001080125.2, NM_001400642.1, NM_001400665.1); c.-374G>C (NM_001400671.1, NM_001400673.1, NM_001400676.1 and 4 more transcripts); c.-555G>C (NM_001400674.1); c.-453G>C (NM_001400680.1); c.-4-4871G>C (NM_001400669.1); c.-227-4871G>C (NM_001400672.1, NM_001400675.1); short protein forms M53I, M112I.
Identifiers: ClinVar variation 533728 (VCV000533728.10), dbSNP rs200261147, ClinGen allele CA2053454.
Genomic context (GRCh38, chr2:201,266,645, plus strand): 5'-GAAGCAAGAACCCATCAAGGATGCCTTGATGTTATTCCAGAGACTCCAGGAAAAGAGAAT[G>C]TTGGAGGAAAGCAATCTGTCCTTCCTGAAGGAGCTGCTCTTCCGAATTAATAGACTGGAT-3'
Protein context (NP_001358980.1, residues 43-63): MLFQRLQEKR[Met53Ile]LEESNLSFLK